The following is an entry in ClinVar:

ClinVar aggregate classification (germline): Benign (1 of 4 stars; one submission).

Submission:

ISCA Site 6
Classification: Benign. Last evaluated: 2011-08-12. Review status: criteria provided, single submitter. Criteria: Kaminsky et al. (Genet Med. 2011). Collection method: clinical testing. Allele origin: unknown, paternal. Affected: yes. Observed: 3 variant alleles. Clinical features observed: Developmental delay AND/OR other significant developmental or morphological phenotypes, Posteriorly rotated ears (HP:0000358), Gastroesophageal reflux (HP:0002020), Growth delay (HP:0001510), Abnormal facial shape (HP:0001999), Pulmonic stenosis (HP:0001642).
Comment: Copy number variation identified through the course of routine clinical cytogenomic testing in postnatal populations. Clinical assertions have been curated as described in Kaminsky et al. 2011.

GRCh38/hg38 2q13(chr2:110095383-110211318)x1

Genes: MALL (mal, T cell differentiation protein like; minus strand), NPHP1 (nephrocystin 1; minus strand), LOC126806305 (BRD4-independent group 4 enhancer GRCh37_chr2:110863055-110864254; plus strand), LOC126806306 (P300/CBP strongly-dependent group 1 enhancer GRCh37_chr2:110906815-110908014; plus strand). Cytogenetic location: 2q13.
Variant type: copy number loss.
Change: copy number 1 (one copy instead of two) of chr2:110,095,383-110,211,318 (115.9 kb, GRCh38 coordinates, 1-based), cytogenetic band 2q13.
Identifiers: ClinVar variation 59746 (VCV000059746.2).